The following is an entry in ClinVar:

ClinVar aggregate classification (germline): Uncertain significance (1 of 4 stars; one submission).

Submission:

GeneDx
Classification: Uncertain significance. Last evaluated: 2017-11-15. Review status: criteria provided, single submitter. Criteria: GeneDx Variant Classification (06012015). Collection method: clinical testing. Allele origin: germline. Affected: yes.
Comment: The K46X variant of uncertain significance in the TGFBR2 gene has not been reported as pathogenic or benign to our knowledge. It is not observed in large population cohorts (Lek et al., 2016). K46X is predicted to cause loss of normal protein function either by protein truncation or nonsense-mediated mRNA decay. Although other nonsense variants in the TGFBR2 gene have been reported in the Human Gene Mutation Database in association with connective tissue disease, the majority of these variants are not predicted to cause nonsense-mediated mRNA decay (Stenson et al., 2014). Thus, haploinsufficiency is not a well-established disease mechanism. Furthermore, this variant lacks observation in a significant number of affected individuals, segregation data, and functional evidence, all of which would further clarify pathogenicity.Therefore, based on the currently available information, it is unclear whether this variant is pathogenic or rare benign.

NM_003242.6(TGFBR2):c.136A>T (p.Lys46Ter)

Gene: TGFBR2 (transforming growth factor beta receptor 2; plus strand). Cytogenetic location: 3p24.1.
Variant type: single nucleotide variant.
Coding change: c.136A>T on transcript NM_003242.6 (MANE Select); coding-DNA position 136, A replaced by T.
Protein change: p.Lys46Ter; replaces lysine 46 with a stop codon.
Molecular consequence: nonsense.
Genome position (GRCh38, 1-based): chr3:30,644,788, A>T. VCF-style: chr3-30644788-A-T. GRCh37 (hg19) VCF-style: chr3-30686280-A-T.
Other names: c.211A>T, p.Lys71Ter (NM_001024847.3, NM_001407126.1, NM_001407139.1); c.136A>T, p.Lys46Ter (NM_001407127.1, NM_001407130.1); c.163A>T, p.Lys55Ter (NM_001407128.1); c.31A>T, p.Lys11Ter (NM_001407129.1, NM_001407132.1, NM_001407133.1 and 3 more transcripts); short protein forms K46*, K71*, K55*, K11*.
Identifiers: ClinVar variation 488968 (VCV000488968.3), dbSNP rs1553627148, ClinGen allele CA351806377.